The following is an entry in ClinVar:

NM_004984.4(KIF5A):c.471C>T (p.His157=)

Gene: KIF5A (kinesin family member 5A; plus strand). Cytogenetic location: 12q13.3.
Variant type: single nucleotide variant.
Coding change: c.471C>T on transcript NM_004984.4 (MANE Select); coding-DNA position 471, C replaced by T.
Protein change: p.His157=; no amino-acid change (histidine 157 retained).
Molecular consequence: synonymous variant.
Genome position (GRCh38, 1-based): chr12:57,564,943, C>T. VCF-style: chr12-57564943-C-T. GRCh37 (hg19) VCF-style: chr12-57958726-C-T.
Other names: p.His157=; c.204C>T, p.His68= (NM_001354705.2).
Identifiers: ClinVar variation 309934 (VCV000309934.24), dbSNP rs143178113, ClinGen allele CA6652599.
Genomic context (GRCh38, chr12:57,564,943, plus strand): 5'-ACTAGTCTTGCTTACCCTGCATTCTTTTGATTCAGTGACCAAGACAAATCTGTCCGTGCA[C>T]GAGGACAAGAACCGGGTGCCATTTGTCAAGGTGAGAGTGGGTGTGGGGCACCTATGTGGG-3'
Protein context (NP_004975.2, residues 147-167): LDVTKTNLSV[His157=]EDKNRVPFVK

ClinVar aggregate classification (germline): Benign/Likely benign. Review status: criteria provided, multiple submitters, no conflicts (2 of 4 stars). 9 submissions from 9 submitters: Benign (2); Likely benign (6). 1 of the submissions does not count toward it. Last evaluated 2026-02-04.

Conditions:
Spastic paraplegia. Identifiers: MedGen C0037772, HP:0001258.
KIF5A-related disorder. Also called: KIF5A-related disorders; KIF5A-related condition.
Hereditary spastic paraplegia. Also called: Familial spastic paraparesis. Identifiers: Orphanet 685, MedGen C0037773, MONDO:0019064. Disease mechanism: loss of function.
Hereditary spastic paraplegia 10 (SPG10). Also called: SPASTIC PARAPLEGIA 10 WITH OR WITHOUT PERIPHERAL NEUROPATHY; SPASTIC PARAPLEGIA 10 WITH PERIPHERAL NEUROPATHY; SPASTIC PARAPLEGIA 10, AUTOSOMAL DOMINANT. Identifiers: Orphanet 100991, MedGen C1858712, MONDO:0011408, OMIM 604187.

Allele frequency attached by ClinVar (database versions not stated): ESP Exome Variant Server 0.00015; 1000 Genomes Project 30x 0.00016; 1000 Genomes Project 0.00020; TOPMed 0.00030; gnomAD 0.00034; gnomAD exomes 0.00047 and 0.00064; ExAC 0.00063.

Submissions (9):

Labcorp Genetics (formerly Invitae), Labcorp
Classification: Benign for Spastic paraplegia. Last evaluated: 2026-02-04. Review status: criteria provided, single submitter. Criteria: Invitae Variant Classification Sherloc (09022015). Collection method: clinical testing. Allele origin: germline.

Mayo Clinic Laboratories, Mayo Clinic
Classification: Likely benign. Last evaluated: 2025-07-15. Review status: criteria provided, single submitter. Criteria: ACMG Guidelines, 2015. Collection method: clinical testing. Allele origin: germline. Observed: 5 variant alleles.
Comment: BP4, BP7

Blueprint Genetics
Classification: Likely benign. Last evaluated: 2023-06-05. Review status: criteria provided, single submitter. Criteria: ACMG Guidelines, 2015. Collection method: clinical testing. Allele origin: germline.

ARUP Laboratories, Molecular Genetics and Genomics, ARUP Laboratories
Classification: Likely benign. Last evaluated: 2023-01-06. Review status: criteria provided, single submitter. Criteria: ARUP Molecular Germline Variant Investigation Process 2024. Collection method: clinical testing. Allele origin: germline.

Genome Diagnostics Laboratory, The Hospital for Sick Children
Classification: Likely benign for Hereditary spastic paraplegia. Last evaluated: 2018-09-01. Review status: criteria provided, single submitter. Criteria: ACMG Guidelines, 2015. Collection method: clinical testing. Allele origin: germline. Affected: yes.

Illumina Laboratory Services, Illumina
Classification: Benign for Hereditary spastic paraplegia 10. Last evaluated: 2018-01-13. Review status: criteria provided, single submitter. Criteria: ICSL Variant Classification Criteria 13 December 2019. Collection method: clinical testing. Allele origin: germline.
Comment: This variant was observed in the ICSL laboratory as part of a predisposition screen in an ostensibly healthy population. It had not been previously curated by ICSL or reported in the Human Gene Mutation Database (HGMD: prior to June 1st, 2018), and was therefore a candidate for classification through an automated scoring system. Utilizing variant allele frequency, disease prevalence and penetrance estimates, and inheritance mode, an automated score was calculated to assess if this variant is too frequent to cause the disease. Based on the score and internal cut-off values, a variant classified as benign is not then subjected to further curation. The score for this variant resulted in a classification of benign for this disease.

GeneDx
Classification: Likely benign. Last evaluated: 2017-11-14. Review status: criteria provided, single submitter. Criteria: GeneDx Variant Classification (06012015). Collection method: clinical testing. Allele origin: germline. Affected: yes.
Comment: This variant is considered likely benign or benign based on one or more of the following criteria: it is a conservative change, it occurs at a poorly conserved position in the protein, it is predicted to be benign by multiple in silico algorithms, and/or has population frequency not consistent with disease.

Breakthrough Genomics
Classification: Likely benign. Review status: criteria provided, single submitter. Criteria: ACMG Guidelines, 2015. Collection method: not provided. Allele origin: germline. Inheritance: Autosomal dominant inheritance. Affected: yes.

PreventionGenetics, part of Exact Sciences
Classification: Likely benign for KIF5A-related condition. Last evaluated: 2019-10-28. Review status: no assertion criteria provided. Collection method: clinical testing. Allele origin: germline. Not counted in ClinVar's aggregate classification.
Comment: This variant is classified as likely benign based on ACMG/AMP sequence variant interpretation guidelines (Richards et al. 2015 PMID: 25741868, with internal and published modifications).